The following is an entry in ClinVar:

NM_001271.4(CHD2):c.5243G>A (p.Arg1748His)

Gene: CHD2 (chromodomain helicase DNA binding protein 2; plus strand). Cytogenetic location: 15q26.1.
Variant type: single nucleotide variant.
Coding change: c.5243G>A on transcript NM_001271.4 (MANE Select); coding-DNA position 5243, G replaced by A.
Protein change: p.Arg1748His; replaces arginine 1748 with histidine.
Molecular consequence: missense variant.
Genome position (GRCh38, 1-based): chr15:93,024,461, G>A. VCF-style: chr15-93024461-G-A. GRCh37 (hg19) VCF-style: chr15-93567691-G-A.
Other names: short protein forms R1748H.
Identifiers: ClinVar variation 3015930 (VCV003015930.3), dbSNP rs1377813463, ClinGen allele CA393908378.
Genomic context (GRCh38, chr15:93,024,461, plus strand): 5'-CCGATGAATTTAGGCCTCAAAATTACCACCAGCAGGATTTCCGACGAATGTCTGATCACC[G>A]CCCCGCTATGGGCTACCATGGCCAGGGACCCTCAGACCATTACCGCTCTTTCCACACAGA-3'
Protein context (NP_001262.3, residues 1738-1758): QQDFRRMSDH[Arg1748His]PAMGYHGQGP

ClinVar aggregate classification (germline): Uncertain significance (1 of 4 stars; one submission).

Conditions:
Developmental and epileptic encephalopathy 94 (DEE94). Also called: CHD2-Related Neurodevelopmental Disorders; Epileptic encephalopathy, childhood-onset. Identifiers: Orphanet 1942, Orphanet 2382, MedGen C3809278, MONDO:0014150, OMIM 615369.

gnomAD v4.1: 3 of 1,614,134 alleles (0.00019%); highest among the groups gnomAD compares: South Asian, 0.0011%; no homozygotes.

Submission:

Labcorp Genetics (formerly Invitae), Labcorp
Classification: Uncertain significance for Developmental and epileptic encephalopathy 94. Last evaluated: 2023-07-16. Review status: criteria provided, single submitter. Criteria: Invitae Variant Classification Sherloc (09022015). Collection method: clinical testing. Allele origin: germline.
Comment: This variant has not been reported in the literature in individuals affected with CHD2-related conditions. In summary, the available evidence is currently insufficient to determine the role of this variant in disease. Therefore, it has been classified as a Variant of Uncertain Significance. Advanced modeling of protein sequence and biophysical properties (such as structural, functional, and spatial information, amino acid conservation, physicochemical variation, residue mobility, and thermodynamic stability) performed at Invitae indicates that this missense variant is not expected to disrupt CHD2 protein function. This variant is not present in population databases (gnomAD no frequency). This sequence change replaces arginine, which is basic and polar, with histidine, which is basic and polar, at codon 1748 of the CHD2 protein (p.Arg1748His).